The following is an entry in ClinVar:

NM_014141.6(CNTNAP2):c.-49T>G

Gene: CNTNAP2 (contactin associated protein 2; plus strand). Cytogenetic location: 7q35.
Variant type: single nucleotide variant.
Coding change: c.-49T>G on transcript NM_014141.6 (MANE Select); 49 bases upstream of the start codon, T replaced by G.
Molecular consequence: 5 prime UTR variant.
Genome position (GRCh38, 1-based): chr7:146,116,828, T>G. VCF-style: chr7-146116828-T-G. GRCh37 (hg19) VCF-style: chr7-145813920-T-G.
Identifiers: ClinVar variation 136837 (VCV000136837.12), dbSNP rs549396215, ClinGen allele CA290199.

ClinVar aggregate classification (germline): Benign. Review status: criteria provided, multiple submitters, no conflicts (2 of 4 stars). 3 submissions from 3 submitters: Benign (3). Last evaluated 2026-07-01.

Conditions:
Cortical dysplasia-focal epilepsy syndrome (PTHSL1). Also called: Pitt-Hopkins-like syndrome 1. Identifiers: Orphanet 163681, Orphanet 221150, MedGen C2750246, MONDO:0012400, OMIM 610042.

Allele frequency attached by ClinVar (database versions not stated): gnomAD 0.00123 and 0.00182; TOPMed 0.00161; 1000 Genomes Project 30x 0.00265; 1000 Genomes Project 0.00319; gnomAD exomes 0.00450; ExAC 0.01350.
gnomAD v4.1: 2,942 of 1,432,810 alleles (0.21%); highest among the groups gnomAD compares: South Asian, 1.7%; 35 homozygotes.

Submissions (3):

CeGaT Center for Human Genetics Tuebingen
Classification: Benign. Last evaluated: 2026-07-01. Review status: criteria provided, single submitter. Criteria: CeGaT Center For Human Genetics Tuebingen Variant Classification Criteria Version 2. Collection method: clinical testing. Allele origin: germline. Affected: yes. Observed: 7 variant alleles.
Comment: CNTNAP2: BS1, BS2

Illumina Laboratory Services, Illumina
Classification: Benign for Cortical dysplasia-focal epilepsy syndrome. Last evaluated: 2018-01-13. Review status: criteria provided, single submitter. Criteria: ICSL Variant Classification Criteria 13 December 2019. Collection method: clinical testing. Allele origin: germline.
Comment: This variant was observed in the ICSL laboratory as part of a predisposition screen in an ostensibly healthy population. It had not been previously curated by ICSL or reported in the Human Gene Mutation Database (HGMD: prior to June 1st, 2018), and was therefore a candidate for classification through an automated scoring system. Utilizing variant allele frequency, disease prevalence and penetrance estimates, and inheritance mode, an automated score was calculated to assess if this variant is too frequent to cause the disease. Based on the score and internal cut-off values, a variant classified as benign is not then subjected to further curation. The score for this variant resulted in a classification of benign for this disease.

GeneDx
Classification: Benign. Last evaluated: 2014-02-06. Review status: criteria provided, single submitter. Criteria: GeneDx Variant Classification (06012015). Collection method: clinical testing. Allele origin: germline. Affected: yes.
Comment: This variant is considered likely benign or benign based on one or more of the following criteria: it is a conservative change, it occurs at a poorly conserved position in the protein, it is predicted to be benign by multiple in silico algorithms, and/or has population frequency not consistent with disease.